The following is an entry in ClinVar:

NM_014956.5(CEP164):c.3866C>G (p.Ser1289Trp)

Gene: CEP164 (centrosomal protein 164; plus strand). Cytogenetic location: 11q23.3.
Variant type: single nucleotide variant.
Coding change: c.3866C>G on transcript NM_014956.5 (MANE Select); coding-DNA position 3866, C replaced by G.
Protein change: p.Ser1289Trp; replaces serine 1289 with tryptophan.
Molecular consequence: missense variant.
Genome position (GRCh38, 1-based): chr11:117,409,735, C>G. VCF-style: chr11-117409735-C-G. GRCh37 (hg19) VCF-style: chr11-117280451-C-G.
Other names: c.3851C>G, p.Ser1284Trp (NM_001271933.2); c.3872C>G, p.Ser1291Trp (NM_001440949.1); c.3866C>G, p.Ser1289Trp (NM_001440950.1, NM_001440951.1); c.3857C>G, p.Ser1286Trp (NM_001440952.1); c.3842C>G, p.Ser1281Trp (NM_001440953.1); c.3788C>G, p.Ser1263Trp (NM_001440954.1, NM_001440955.1); c.3779C>G, p.Ser1260Trp (NM_001440956.1); c.3776C>G, p.Ser1259Trp (NM_001440957.1); and 21 more; short protein forms S1161W, S1205W, S1211W, S1213W, S1235W, S1284W, S1291W, S1233W.
Identifiers: ClinVar variation 4980387 (VCV004980387.1).

ClinVar aggregate classification (germline): Uncertain significance (1 of 4 stars; one submission).

Conditions:
CEP164-related disorder. Also called: CEP164-related condition.

gnomAD v4.1: 28 of 1,613,850 alleles (0.0017%); highest among the groups gnomAD compares: African/African-American, 0.0027%; no homozygotes.

Submission:

PreventionGenetics, part of Exact Sciences
Classification: Uncertain significance for CEP164-related condition. Last evaluated: 2026-06-30. Review status: criteria provided, single submitter. Criteria: ACMG Guidelines, 2015. Collection method: clinical testing. Allele origin: germline.
Comment: The CEP164 c.3866C>G variant is predicted to result in the amino acid substitution p.Ser1289Trp. To our knowledge, this variant has not been reported in the literature. This variant is reported in 0.0062% of alleles in individuals of African descent in gnomAD. At this time, the clinical significance of this variant is uncertain due to the absence of conclusive functional and genetic evidence.